The following is an entry in ClinVar:

NM_022437.3(ABCG8):c.1898T>C (p.Met633Thr)

Gene: ABCG8 (ATP binding cassette subfamily G member 8; plus strand). Cytogenetic location: 2p21.
Variant type: single nucleotide variant.
Coding change: c.1898T>C on transcript NM_022437.3 (MANE Select); coding-DNA position 1898, T replaced by C.
Protein change: p.Met633Thr; replaces methionine 633 with threonine.
Molecular consequence: missense variant.
Genome position (GRCh38, 1-based): chr2:43,877,789, T>C. VCF-style: chr2-43877789-T-C. GRCh37 (hg19) VCF-style: chr2-44104928-T-C.
Other names: c.1898T>C (NM_022437.2); c.1895T>C, p.Met632Thr (NM_001357321.2); short protein forms M632T, M633T.
Identifiers: ClinVar variation 2438789 (VCV002438789.4), dbSNP rs996034901, ClinGen allele CA46474660.

ClinVar aggregate classification (germline): Uncertain significance. Review status: criteria provided, multiple submitters, no conflicts (2 of 4 stars). 2 submissions from 2 submitters: Uncertain significance (2). Last evaluated 2026-08-29.

Conditions:
Cardiovascular phenotype. Identifiers: MedGen CN230736.
Sitosterolemia 1. Identifiers: MedGen C2749759, MONDO:0020747, OMIM 210250.

Allele frequency attached by ClinVar (database versions not stated): TOPMed below 0.00001.

Submissions (2):

Ambry Genetics
Classification: Uncertain significance for Cardiovascular phenotype. Last evaluated: 2026-08-29. Review status: criteria provided, single submitter. Criteria: Ambry Variant Classification Scheme 2023. Collection method: clinical testing. Allele origin: germline.
Comment: The p.M633T variant (also known as c.1898T>C), located in coding exon 13 of the ABCG8 gene, results from a T to C substitution at nucleotide position 1898. The methionine at codon 633 is replaced by threonine, an amino acid with similar properties. This amino acid position is conserved. In addition, this alteration is predicted to be tolerated by in silico analysis. Based on the available evidence, the clinical significance of this variant remains unclear.

Revvity Omics, Revvity
Classification: Uncertain significance for Sitosterolemia 1. Last evaluated: 2022-08-16. Review status: criteria provided, single submitter. Criteria: ACMG Guidelines, 2015. Collection method: clinical testing. Allele origin: germline.